The following is an entry in ClinVar:

NM_004208.4(AIFM1):c.551A>C (p.Asp184Ala)

Genes: AIFM1 (apoptosis inducing factor mitochondria associated 1; minus strand), RAB33A (RAB33A, member RAS oncogene family; plus strand). Cytogenetic location: Xq26.1.
Variant type: single nucleotide variant.
Coding change: c.551A>C on transcript NM_004208.4 (MANE Select); coding-DNA position 551, A replaced by C.
Protein change: p.Asp184Ala; replaces aspartic acid 184 with alanine.
Molecular consequence: missense variant. On other transcripts: non-coding transcript variant (1).
Genome position (GRCh38, 1-based): chrX:130,147,547, T>G on the plus strand (A>C on the coding strand, the complement: AIFM1 is on the minus strand). VCF-style: chrX-130147547-T-G. GRCh37 (hg19) VCF-style: chrX-129281522-T-G.
Other names: c.551A>C, p.Asp184Ala (NM_001130847.4); c.539A>C, p.Asp180Ala (NM_145812.3); short protein forms D180A, D184A.
Identifiers: ClinVar variation 4976224 (VCV004976224.1).

ClinVar aggregate classification (germline): Uncertain significance (1 of 4 stars; one submission).

Submission:

GeneDx
Classification: Uncertain significance. Last evaluated: 2026-02-04. Review status: criteria provided, single submitter. Criteria: GeneDx Variant Classification Process June 2021. Collection method: clinical testing. Allele origin: germline.
Comment: Not observed at significant frequency in large population cohorts (gnomAD); In silico analysis supports that this missense variant has a deleterious effect on protein structure/function; Has not been previously published as pathogenic or benign to our knowledge